The following is an entry in ClinVar:

ClinVar aggregate classification (germline): Uncertain significance (1 of 4 stars; one submission).

Conditions:
Neurofibromatosis, type 2 (SWNV). Also called: BILATERAL ACOUSTIC NEUROFIBROMATOSIS; NF2-Related Schwannomatosis; SCHWANNOMATOSIS, VESTIBULAR. Identifiers: Orphanet 637, MedGen C0027832, MONDO:0007039, OMIM 101000. Disease mechanism: loss of function.

Submission:

Labcorp Genetics (formerly Invitae), Labcorp
Classification: Uncertain significance for Neurofibromatosis, type 2. Last evaluated: 2025-10-23. Review status: criteria provided, single submitter. Criteria: Invitae Variant Classification Sherloc (09022015). Collection method: clinical testing. Allele origin: germline.
Comment: This sequence change replaces threonine, which is neutral and polar, with isoleucine, which is neutral and non-polar, at codon 581 of the NF2 protein (p.Thr581Ile). This variant is not present in population databases (gnomAD no frequency). This variant has not been reported in the literature in individuals affected with NF2-related conditions. Invitae Evidence Modeling of protein sequence and biophysical properties (such as structural, functional, and spatial information, amino acid conservation, physicochemical variation, residue mobility, and thermodynamic stability) indicates that this missense variant is not expected to disrupt NF2 protein function with a negative predictive value of 80%. In summary, the available evidence is currently insufficient to determine the role of this variant in disease. Therefore, it has been classified as a Variant of Uncertain Significance.

NM_000268.4(NF2):c.1742C>T (p.Thr581Ile)

Gene: NF2 (NF2, moesin-ezrin-radixin like (MERLIN) tumor suppressor; plus strand). Cytogenetic location: 22q12.2.
Variant type: single nucleotide variant.
Coding change: c.1742C>T on transcript NM_000268.4 (MANE Select); coding-DNA position 1742, C replaced by T.
Protein change: p.Thr581Ile; replaces threonine 581 with isoleucine.
Molecular consequence: missense variant. On other transcripts: 3 prime UTR variant (11), non-coding transcript variant (1).
Genome position (GRCh38, 1-based): chr22:29,694,756, C>T. VCF-style: chr22-29694756-C-T. GRCh37 (hg19) VCF-style: chr22-30090745-C-T.
Other names: c.1628C>T, p.Thr543Ile (NM_001407053.1); c.1619C>T, p.Thr540Ile (NM_001407054.1); c.1616C>T, p.Thr539Ile (NM_001407055.1); c.*14C>T (NM_001407056.1, NM_001407059.1, NM_001407065.1 and 5 more transcripts); c.1607C>T, p.Thr536Ile (NM_001407057.1); c.*29C>T (NM_001407058.1, NM_001407063.1, NM_181832.3); c.1579C>T, p.Pro527Ser (NM_001407060.1); c.1484C>T, p.Thr495Ile (NM_001407062.1); and 2 more; short protein forms T543I, P444S, T151I, T540I, T581I, P527S, T495I, T536I.
Identifiers: ClinVar variation 4778490 (VCV004778490.1).
Genomic context (GRCh38, chr22:29,694,756, plus strand): 5'-TGTGTGACAGAGCGGAGGTCTTGTGCCCTCTCAGCTTCTTCTCTGCTTTCTTACAGCTCA[C>T]CTTGCAGAGCGCCAAGTCCCGAGTGGCCTTCTTTGAAGAGCTCTAGCAGGTGACCCAGCC-3'
Protein context (NP_000259.1, residues 571-591): SSKHNTIKKL[Thr581Ile]LQSAKSRVAF